The following is an entry in ClinVar:

ClinVar aggregate classification (germline): Pathogenic (1 of 4 stars; one submission).

Conditions:
Early-infantile DEE. Also called: Early infantile epileptic encephalopathy; Early infantile epileptic encephalopathy with suppression bursts; Ohtahara syndrome. Identifiers: Orphanet 1934, MedGen C0393706, MONDO:0800491.

Submission:

Labcorp Genetics (formerly Invitae), Labcorp
Classification: Pathogenic for Early-infantile DEE. Last evaluated: 2023-05-08. Review status: criteria provided, single submitter. Criteria: Invitae Variant Classification Sherloc (09022015). Collection method: clinical testing. Allele origin: germline.
Comment: This sequence change replaces leucine, which is neutral and non-polar, with proline, which is neutral and non-polar, at codon 1399 of the SCN1A protein (p.Leu1399Pro). For these reasons, this variant has been classified as Pathogenic. Advanced modeling of protein sequence and biophysical properties (such as structural, functional, and spatial information, amino acid conservation, physicochemical variation, residue mobility, and thermodynamic stability) performed at Invitae indicates that this missense variant is expected to disrupt SCN1A protein function. This missense change has been observed in individual(s) with SCN1A-related condition (Invitae). In at least one individual the variant was observed to be de novo. This variant is not present in population databases (gnomAD no frequency).

NM_001165963.4(SCN1A):c.4196T>C (p.Leu1399Pro)

Genes: SCN1A (sodium voltage-gated channel alpha subunit 1; minus strand), LOC102724058 (uncharacterized LOC102724058; plus strand). Cytogenetic location: 2q24.3.
Variant type: single nucleotide variant.
Coding change: c.4196T>C on transcript NM_001165963.4 (MANE Select); coding-DNA position 4196, T replaced by C.
Protein change: p.Leu1399Pro; replaces leucine 1399 with proline.
Molecular consequence: missense variant. On other transcripts: non-coding transcript variant (1).
Genome position (GRCh38, 1-based): chr2:166,002,560, A>G on the plus strand (T>C on the coding strand, the complement: SCN1A is on the minus strand). VCF-style: chr2-166002560-A-G. GRCh37 (hg19) VCF-style: chr2-166859070-A-G.
Other names: c.4163T>C, p.Leu1388Pro (NM_001353952.2, NM_006920.6, NM_001353949.2 and 2 more transcripts); c.4160T>C, p.Leu1387Pro (NM_001353954.2, NM_001353955.2); c.4112T>C, p.Leu1371Pro (NM_001353957.2, NM_001353958.2, NM_001165964.3); c.4109T>C, p.Leu1370Pro (NM_001353960.2); c.1754T>C, p.Leu585Pro (NM_001353961.2); c.4196T>C, p.Leu1399Pro (NM_001202435.3, NM_001353948.2); short protein forms L1370P, L1387P, L1388P, L1399P, L1371P, L585P.
Identifiers: ClinVar variation 2840258 (VCV002840258.3), dbSNP rs1363740679, ClinGen allele CA349050090.